The following is an entry in ClinVar:

ClinVar aggregate classification (germline): Likely benign. Review status: criteria provided, multiple submitters, no conflicts (2 of 4 stars). 3 submissions from 3 submitters: Likely benign (3). Last evaluated 2026-03-01.

Conditions:
Autosomal recessive ataxia, Beauce type. Also called: Spinocerebellar ataxia, autosomal recessive 8; SYNE1 Deficiency; ATAXIA, RECESSIVE, OF BEAUCE; SYNE1-Related Autosomal Recessive Cerebellar Ataxia. Identifiers: Orphanet 88644, MedGen C1853116, MONDO:0012549, OMIM 610743.
Emery-Dreifuss muscular dystrophy 4, autosomal dominant (EDMD4). Also called: EMERY-DREIFUSS MUSCULAR DYSTROPHY 4 WITH VARIABLE FEATURES. Identifiers: Orphanet 261, MedGen C2751807, MONDO:0013071, OMIM 612998.

Allele frequency attached by ClinVar (database versions not stated): gnomAD exomes 0.00001 and 0.00004; gnomAD 0.00003 and 0.00004; TOPMed 0.00005.
gnomAD v4.1: 57 of 1,613,880 alleles (0.0035%); highest among the groups gnomAD compares: Admixed American, 0.005%; no homozygotes.

Submissions (3):

CeGaT Center for Human Genetics Tuebingen
Classification: Likely benign. Last evaluated: 2026-03-01. Review status: criteria provided, single submitter. Criteria: CeGaT Center For Human Genetics Tuebingen Variant Classification Criteria Version 2. Collection method: clinical testing. Allele origin: germline. Affected: yes. Observed: 1 variant allele.
Comment: SYNE1: BP4, BP7

Labcorp Genetics (formerly Invitae), Labcorp
Classification: Likely benign for Emery-Dreifuss muscular dystrophy 4, autosomal dominant; Autosomal recessive ataxia, Beauce type. Last evaluated: 2025-01-30. Review status: criteria provided, single submitter. Criteria: Invitae Variant Classification Sherloc (09022015). Collection method: clinical testing. Allele origin: germline.

Athena Diagnostics
Classification: Likely benign. Last evaluated: 2024-01-23. Review status: criteria provided, single submitter. Criteria: Athena Diagnostics Criteria. Collection method: clinical testing. Allele origin: unknown.

NM_182961.4(SYNE1):c.14976T>C (p.Tyr4992=)

Gene: SYNE1 (spectrin repeat containing nuclear envelope protein 1; minus strand). Cytogenetic location: 6q25.2.
Variant type: single nucleotide variant.
Coding change: c.14976T>C on transcript NM_182961.4 (MANE Select); coding-DNA position 14976, T replaced by C.
Protein change: p.Tyr4992=; no amino-acid change (tyrosine 4992 retained).
Molecular consequence: synonymous variant.
Genome position (GRCh38, 1-based): chr6:152,326,613, A>G on the plus strand (T>C on the coding strand, the complement: SYNE1 is on the minus strand). VCF-style: chr6-152326613-A-G. GRCh37 (hg19) VCF-style: chr6-152647748-A-G.
Other names: c.14763T>C, p.Tyr4921= (NM_033071.5); c.14976T>C (NM_182961.2).
Identifiers: ClinVar variation 1020396 (VCV001020396.13), dbSNP rs935200376, ClinGen allele CA150172344.